The following is an entry in ClinVar:

NM_000543.5(SMPD1):c.69del (p.Thr24fs)

Genes: SMPD1 (sphingomyelin phosphodiesterase 1; plus strand), LOC130005193 (ATAC-STARR-seq lymphoblastoid silent region 3099; plus strand). Cytogenetic location: 11p15.4.
Variant type: Deletion.
Coding change: c.69del on transcript NM_000543.5 (MANE Select); coding-DNA position 69, one base deleted (G; older notation c.69delG).
Protein change: p.Thr24fs; shifts the reading frame from threonine 24.
Molecular consequence: frameshift variant. On other transcripts: 5 prime UTR variant (1), non-coding transcript variant (2).
Genome position (GRCh38, 1-based): chr11:6,390,667, G deleted; the last of 3 consecutive G bases (chr11:6,390,665-6,390,667); deleting any one gives the same sequence. VCF-style (leftmost placement, unchanged base first): chr11-6390664-CG-C. GRCh37 (hg19) VCF-style: chr11-6411894-CG-C.
Other names: c.69del, p.Thr24fs (NM_001007593.3, NM_001318087.2, NM_001365135.2); c.-893del (NM_001318088.2); short protein forms T24fs.
Identifiers: ClinVar variation 2018848 (VCV002018848.4), dbSNP rs2493798730, ClinGen allele CA2580083922.

ClinVar aggregate classification (germline): Pathogenic (1 of 4 stars; one submission).

Conditions:
Niemann-Pick disease, type B. Also called: Chronic Visceral ASMD (Niemann-Pick Disease Type B; NPD-B). Identifiers: Orphanet 77293, MedGen C0268243, MONDO:0011871, OMIM 607616. Disease mechanism: loss of function.
Niemann-Pick disease, type A. Also called: Infantile Neurovisceral ASMD (Niemann-Pick Disease Type A; NPD-A); SPHINGOMYELIN LIPIDOSIS; SPHINGOMYELINASE DEFICIENCY. Identifiers: Orphanet 77292, MedGen C0268242, MONDO:0009756, OMIM 257200. Disease mechanism: loss of function.

Submission:

Labcorp Genetics (formerly Invitae), Labcorp
Classification: Pathogenic for Niemann-Pick disease, type B; Niemann-Pick disease, type A. Last evaluated: 2022-07-22. Review status: criteria provided, single submitter. Criteria: Invitae Variant Classification Sherloc (09022015). Collection method: clinical testing. Allele origin: germline.
Comment: This sequence change creates a premature translational stop signal (p.Thr24Profs*53) in the SMPD1 gene. It is expected to result in an absent or disrupted protein product. Loss-of-function variants in SMPD1 are known to be pathogenic (PMID: 12369017, 15221801). For these reasons, this variant has been classified as Pathogenic. This variant has not been reported in the literature in individuals affected with SMPD1-related conditions. This variant is not present in population databases (gnomAD no frequency).

Literature cited by the submitters: PubMed 12369017; PubMed 15221801.